The following is an entry in ClinVar:

ClinVar aggregate classification (germline): Uncertain significance. Review status: criteria provided, multiple submitters, no conflicts (2 of 4 stars). 2 submissions from 2 submitters: Uncertain significance (2). Last evaluated 2026-08-20.

Conditions:
Juvenile polyposis syndrome (JPS). Identifiers: Orphanet 2929, MedGen C0345893, MONDO:0017380, OMIM 174900.
Hereditary cancer-predisposing syndrome. Also called: Tumor predisposition; Hereditary Cancer Syndrome; Hereditary neoplastic syndrome; Neoplastic Syndromes, Hereditary. Identifiers: Orphanet 140162, MedGen C0027672, MeSH D009386, MONDO:0015356.

Submissions (2):

Ambry Genetics
Classification: Uncertain significance for Hereditary cancer-predisposing syndrome. Last evaluated: 2026-08-20. Review status: criteria provided, single submitter. Criteria: Ambry Variant Classification Scheme 2023. Collection method: clinical testing. Allele origin: germline.
Comment: The p.L369I variant (also known as c.1105C>A), located in coding exon 8 of the BMPR1A gene, results from a C to A substitution at nucleotide position 1105. The leucine at codon 369 is replaced by isoleucine, an amino acid with highly similar properties. This amino acid position is highly conserved in available vertebrate species. In addition, this alteration is predicted to be deleterious by in silico analysis. Based on the available evidence, the clinical significance of this variant remains unclear.

Labcorp Genetics (formerly Invitae), Labcorp
Classification: Uncertain significance for Juvenile polyposis syndrome. Last evaluated: 2020-04-13. Review status: criteria provided, single submitter. Criteria: Invitae Variant Classification Sherloc (09022015). Collection method: clinical testing. Allele origin: germline.
Comment: In summary, the available evidence is currently insufficient to determine the role of this variant in disease. Therefore, it has been classified as a Variant of Uncertain Significance. Algorithms developed to predict the effect of missense changes on protein structure and function are either unavailable or do not agree on the potential impact of this missense change (SIFT: "Tolerated"; PolyPhen-2: "Probably Damaging"; Align-GVGD: "Class C0"). This variant has not been reported in the literature in individuals with BMPR1A-related conditions. This variant is not present in population databases (ExAC no frequency). This sequence change replaces leucine with isoleucine at codon 369 of the BMPR1A protein (p.Leu369Ile). The leucine residue is highly conserved and there is a small physicochemical difference between leucine and isoleucine.

NM_004329.3(BMPR1A):c.1105C>A (p.Leu369Ile)

Gene: BMPR1A (bone morphogenetic protein receptor type 1A; plus strand). Cytogenetic location: 10q23.2.
Variant type: single nucleotide variant.
Coding change: c.1105C>A on transcript NM_004329.3 (MANE Select); coding-DNA position 1105, C replaced by A.
Protein change: p.Leu369Ile; replaces leucine 369 with isoleucine.
Molecular consequence: missense variant.
Genome position (GRCh38, 1-based): chr10:86,919,408, C>A. VCF-style: chr10-86919408-C-A. GRCh37 (hg19) VCF-style: chr10-88679165-C-A.
Other names: c.1105C>A (NM_004329.2); short protein forms L369I.
Identifiers: ClinVar variation 1005184 (VCV001005184.11), dbSNP rs1843628076, ClinGen allele CA377460892.